The following is an entry in ClinVar:

ClinVar aggregate classification (germline): Uncertain significance (1 of 4 stars; one submission).

Conditions:
Inborn genetic diseases. Identifiers: MedGen C0950123, MeSH D030342.

Submission:

Ambry Genetics
Classification: Uncertain significance for Inborn genetic diseases. Last evaluated: 2026-08-11. Review status: criteria provided, single submitter. Criteria: Ambry Variant Classification Scheme 2023. Collection method: clinical testing. Allele origin: germline.
Comment: The p.A1506T variant (also known as c.4516G>A), located in coding exon 31 of the ANKRD26 gene, results from a G to A substitution at nucleotide position 4516. The alanine at codon 1506 is replaced by threonine, an amino acid with similar properties. This amino acid position is conserved. In addition, this alteration is predicted to be tolerated by in silico analysis. Based on the available evidence, the clinical significance of this variant remains unclear.

NM_014915.3(ANKRD26):c.4516G>A (p.Ala1506Thr)

Gene: ANKRD26 (ankyrin repeat domain 26; minus strand). Cytogenetic location: 10p12.1.
Variant type: single nucleotide variant.
Coding change: c.4516G>A on transcript NM_014915.3 (MANE Select); coding-DNA position 4516, G replaced by A.
Protein change: p.Ala1506Thr; replaces alanine 1506 with threonine.
Molecular consequence: missense variant.
Genome position (GRCh38, 1-based): chr10:27,014,702, C>T on the plus strand (G>A on the coding strand, the complement: ANKRD26 is on the minus strand). VCF-style: chr10-27014702-C-T. GRCh37 (hg19) VCF-style: chr10-27303631-C-T.
Other names: c.4513G>A, p.Ala1505Thr (NM_001256053.2); short protein forms A1505T, A1506T.
Identifiers: ClinVar variation 5023522 (VCV005023522.1).